The following is an entry in ClinVar:

ClinVar aggregate classification (germline): Uncertain significance. Review status: criteria provided, multiple submitters, no conflicts (2 of 4 stars). 2 submissions from 2 submitters: Uncertain significance (2). Last evaluated 2025-11-03.

Conditions:
Immunodeficiency 132A. Also called: Herpes simplex encephalitis, susceptibility to, 3. Identifiers: Orphanet 1930, MedGen C3553868, MONDO:0013920, OMIM 614849.

Allele frequency attached by ClinVar (database versions not stated): gnomAD exomes below 0.00001; gnomAD 0.00001; ExAC 0.00002; 1000 Genomes Project 30x 0.00016; 1000 Genomes Project 0.00020.
gnomAD v4.1: 3 of 1,614,110 alleles (0.00019%); highest among the groups gnomAD compares: East Asian, 0.0067%; no homozygotes.

Submissions (2):

Labcorp Genetics (formerly Invitae), Labcorp
Classification: Uncertain significance for Immunodeficiency 132A. Last evaluated: 2025-11-03. Review status: criteria provided, single submitter. Criteria: Invitae Variant Classification Sherloc (09022015). Collection method: clinical testing. Allele origin: germline.
Comment: This sequence change replaces proline, which is neutral and non-polar, with leucine, which is neutral and non-polar, at codon 10 of the TRAF3 protein (p.Pro10Leu). This variant is present in population databases (rs542494294, gnomAD 0.01%). This variant has not been reported in the literature in individuals affected with TRAF3-related conditions. ClinVar contains an entry for this variant (Variation ID: 2100517). An algorithm developed to predict the effect of missense changes on protein structure and function (PolyPhen-2) suggests that this variant is likely to be tolerated. In summary, the available evidence is currently insufficient to determine the role of this variant in disease. Therefore, it has been classified as a Variant of Uncertain Significance.

Ambry Genetics
Classification: Uncertain significance. Last evaluated: 2024-04-12. Review status: criteria provided, single submitter. Criteria: Ambry Variant Classification Scheme 2023. Collection method: clinical testing. Allele origin: germline.

NM_145725.3(TRAF3):c.29C>T (p.Pro10Leu)

Gene: TRAF3 (TNF receptor associated factor 3; plus strand). Cytogenetic location: 14q32.32.
Variant type: single nucleotide variant.
Coding change: c.29C>T on transcript NM_145725.3 (MANE Select); coding-DNA position 29, C replaced by T.
Protein change: p.Pro10Leu; replaces proline 10 with leucine.
Molecular consequence: missense variant.
Genome position (GRCh38, 1-based): chr14:102,870,230, C>T. VCF-style: chr14-102870230-C-T. GRCh37 (hg19) VCF-style: chr14-103336567-C-T.
Other names: c.29C>T (NM_003300.3); c.29C>T, p.Pro10Leu (NM_001199427.2, NM_001385142.1, NM_001385143.1 and 2 more transcripts); short protein forms P10L.
Identifiers: ClinVar variation 2100517 (VCV002100517.5), dbSNP rs542494294, ClinGen allele CA7359138.